The following is an entry in ClinVar:

ClinVar aggregate classification (germline): Conflicting classifications of pathogenicity. Review status: criteria provided, conflicting classifications (1 of 4 stars). 3 submissions from 3 submitters: Uncertain significance (1); Likely benign (1). 1 of the submissions does not count toward it. Last evaluated 2025-12-17.

Conditions:
NOTCH2-related disorder. Also called: NOTCH2-related condition.
Hajdu-Cheney syndrome (HJCYS). Also called: ACROOSTEOLYSIS WITH OSTEOPOROSIS AND CHANGES IN SKULL AND MANDIBLE; Acroosteolysis dominant type; SERPENTINE FIBULA-POLYCYSTIC KIDNEY SYNDROME. Identifiers: Orphanet 955, MedGen C0917715, MONDO:0007057, OMIM 102500.

Allele frequency attached by ClinVar (database versions not stated): gnomAD 0.00006 and 0.00007; ExAC 0.00011; TOPMed 0.00005; gnomAD exomes 0.00009; 1000 Genomes Project 30x 0.00016; 1000 Genomes Project 0.00020; ESP Exome Variant Server 0.00008.
gnomAD v4.1: 138 of 1,614,152 alleles (0.0085%); highest among the groups gnomAD compares: Admixed American, 0.022%; no homozygotes.

Submissions (3):

Labcorp Genetics (formerly Invitae), Labcorp
Classification: Likely benign for Hajdu-Cheney syndrome. Last evaluated: 2025-12-17. Review status: criteria provided, single submitter. Criteria: Invitae Variant Classification Sherloc (09022015). Collection method: clinical testing. Allele origin: germline.

Eurofins Ntd Llc (ga)
Classification: Uncertain significance. Last evaluated: 2017-09-18. Review status: criteria provided, single submitter. Criteria: EGL Classification Definitions 2015. Collection method: clinical testing. Allele origin: germline. Observed: 3 variant alleles, 3 heterozygotes.

PreventionGenetics, part of Exact Sciences
Classification: Likely benign for NOTCH2-related condition. Last evaluated: 2021-10-19. Review status: no assertion criteria provided. Collection method: clinical testing. Allele origin: germline. Not counted in ClinVar's aggregate classification.
Comment: This variant is classified as likely benign based on ACMG/AMP sequence variant interpretation guidelines (Richards et al. 2015 PMID: 25741868, with internal and published modifications).

NM_024408.4(NOTCH2):c.956A>G (p.Asn319Ser)

Gene: NOTCH2 (notch receptor 2; minus strand). Cytogenetic location: 1p12.
Variant type: single nucleotide variant.
Coding change: c.956A>G on transcript NM_024408.4 (MANE Select); coding-DNA position 956, A replaced by G.
Protein change: p.Asn319Ser; replaces asparagine 319 with serine.
Molecular consequence: missense variant.
Genome position (GRCh38, 1-based): chr1:119,969,663, T>C on the plus strand (A>G on the coding strand, the complement: NOTCH2 is on the minus strand). VCF-style: chr1-119969663-T-C. GRCh37 (hg19) VCF-style: chr1-120512286-T-C.
Other names: c.956A>G, p.Asn319Ser (NM_001200001.2); short protein forms N319S.
Identifiers: ClinVar variation 289807 (VCV000289807.15), dbSNP rs144936899, ClinGen allele CA1040640.